The following is an entry in ClinVar:

ClinVar aggregate classification (germline): Likely pathogenic (1 of 4 stars; one submission).

Submission:

Dasa
Classification: Likely pathogenic. Last evaluated: 2026-04-17. Review status: criteria provided, single submitter. Criteria: DASA Assertion Criteria. Collection method: clinical testing. Allele origin: germline.
Comment: NM_004859.4(CLTC):c.2431C>T (p.Arg811*) is a nonsense variant in CLTC predicted to introduce a premature termination codon and is predicted to result in an absent or altered protein product. Loss of function is an established disease mechanism for CLTC (PMID: 31776469; PMID: 26822784; PMID: 33041083). Also, this variant is rare in population databases. Based on the currently available evidence, this variant is classified as likely pathogenic.

Literature cited by the submitters: PubMed 31776469; PubMed 26822784; PubMed 33041083.

NM_004859.4(CLTC):c.2431C>T (p.Arg811Ter)

Gene: CLTC (clathrin heavy chain; plus strand). Cytogenetic location: 17q23.1.
Variant type: single nucleotide variant.
Coding change: c.2431C>T on transcript NM_004859.4 (MANE Select); coding-DNA position 2431, C replaced by T.
Protein change: p.Arg811Ter; replaces arginine 811 with a stop codon.
Molecular consequence: nonsense.
Genome position (GRCh38, 1-based): chr17:59,674,713, C>T. VCF-style: chr17-59674713-C-T. GRCh37 (hg19) VCF-style: chr17-57752074-C-T.
Other names: c.2443C>T, p.Arg815Ter (NM_001288653.2); short protein forms R811*, R815*.
Identifiers: ClinVar variation 4886401 (VCV004886401.2).